The following is an entry in ClinVar:

NM_173728.4(ARHGEF15):c.499G>T (p.Asp167Tyr)

Gene: ARHGEF15 (Rho guanine nucleotide exchange factor 15; plus strand). Cytogenetic location: 17p13.1.
Variant type: single nucleotide variant.
Coding change: c.499G>T on transcript NM_173728.4 (MANE Select); coding-DNA position 499, G replaced by T.
Protein change: p.Asp167Tyr; replaces aspartic acid 167 with tyrosine.
Molecular consequence: missense variant.
Genome position (GRCh38, 1-based): chr17:8,312,538, G>T. VCF-style: chr17-8312538-G-T. GRCh37 (hg19) VCF-style: chr17-8215856-G-T.
Other names: c.499G>T, p.Asp167Tyr (NM_025014.2); short protein forms D167Y.
Identifiers: ClinVar variation 639089 (VCV000639089.9), dbSNP rs368035234, ClinGen allele CA8374873.

ClinVar aggregate classification (germline): Uncertain significance (1 of 4 stars; one submission).

Conditions:
Early-infantile DEE. Also called: Early infantile epileptic encephalopathy with suppression bursts; Ohtahara syndrome; Early infantile epileptic encephalopathy. Identifiers: Orphanet 1934, MedGen C0393706, MONDO:0800491.

Allele frequency attached by ClinVar (database versions not stated): TOPMed 0.00001; gnomAD 0.00003; ExAC 0.00004; gnomAD exomes 0.00004 and 0.00006; ESP Exome Variant Server 0.00015.

Submission:

Labcorp Genetics (formerly Invitae), Labcorp
Classification: Uncertain significance for Early-infantile DEE. Last evaluated: 2024-09-01. Review status: criteria provided, single submitter. Criteria: Invitae Variant Classification Sherloc (09022015). Collection method: clinical testing. Allele origin: germline.
Comment: This sequence change replaces aspartic acid, which is acidic and polar, with tyrosine, which is neutral and polar, at codon 167 of the ARHGEF15 protein (p.Asp167Tyr). This variant is present in population databases (rs368035234, gnomAD 0.007%). This variant has not been reported in the literature in individuals affected with ARHGEF15-related conditions. ClinVar contains an entry for this variant (Variation ID: 639089). An algorithm developed to predict the effect of missense changes on protein structure and function (PolyPhen-2) suggests that this variant is likely to be tolerated. In summary, the available evidence is currently insufficient to determine the role of this variant in disease. Therefore, it has been classified as a Variant of Uncertain Significance.